The following is an entry in ClinVar:

NM_016373.4(WWOX):c.658C>G (p.Leu220Val)

Gene: WWOX (WW domain containing oxidoreductase; plus strand). Cytogenetic location: 16q23.1.
Variant type: single nucleotide variant.
Coding change: c.658C>G on transcript NM_016373.4 (MANE Select); coding-DNA position 658, C replaced by G.
Protein change: p.Leu220Val; replaces leucine 220 with valine.
Molecular consequence: missense variant.
Genome position (GRCh38, 1-based): chr16:78,424,922, C>G. VCF-style: chr16-78424922-C-G. GRCh37 (hg19) VCF-style: chr16-78458819-C-G.
Other names: c.319C>G, p.Leu107Val (NM_001291997.2); short protein forms L107V, L220V.
Identifiers: ClinVar variation 1316404 (VCV001316404.11), dbSNP rs770774574, ClinGen allele CA8183405.

ClinVar aggregate classification (germline): Uncertain significance. Review status: criteria provided, multiple submitters, no conflicts (2 of 4 stars). 4 submissions from 4 submitters: Uncertain significance (4). Last evaluated 2025-04-22.

Conditions:
Autosomal recessive spinocerebellar ataxia 12. Also called: SPINOCEREBELLAR ATAXIA WITH MENTAL RETARDATION AND EPILEPSY. Identifiers: Orphanet 284282, MedGen C3280452, MONDO:0013687, OMIM 614322.
Developmental and epileptic encephalopathy, 1 (DEE1). Also called: X-linked infantile spasms; West's syndrome; Tonic spasms with clustering, arrest of psychomotor development and hypsarrhythmia on EEG; X-Linked Infantile Spasm Syndrome; OHTAHARA SYNDROME, X-LINKED; INFANTILE SPASM SYNDROME, X-LINKED 1. Identifiers: MedGen C3463992, MONDO:0010632, OMIM 308350. Disease mechanism: loss of function.
Inborn genetic diseases. Identifiers: MedGen C0950123, MeSH D030342.

Allele frequency attached by ClinVar (database versions not stated): TOPMed 0.00001; ExAC 0.00002; gnomAD 0.00002.
gnomAD v4.1: 48 of 1,614,058 alleles (0.003%); highest among the groups gnomAD compares: Non-Finnish European, 0.0036%; no homozygotes.

Submissions (4):

GeneDx
Classification: Uncertain significance. Last evaluated: 2025-04-22. Review status: criteria provided, single submitter. Criteria: GeneDx Variant Classification Process June 2021. Collection method: clinical testing. Allele origin: germline. Affected: yes.
Comment: Not observed at significant frequency in large population cohorts (gnomAD); In silico analysis indicates that this missense variant does not alter protein structure/function; Has not been previously published as pathogenic or benign to our knowledge; This variant is associated with the following publications: (PMID: 25411445)

Ambry Genetics
Classification: Uncertain significance for Inborn genetic diseases. Last evaluated: 2024-09-08. Review status: criteria provided, single submitter. Criteria: Ambry Variant Classification Scheme 2023. Collection method: clinical testing. Allele origin: germline.

Labcorp Genetics (formerly Invitae), Labcorp
Classification: Uncertain significance for Developmental and epileptic encephalopathy, 1; Autosomal recessive spinocerebellar ataxia 12. Last evaluated: 2021-08-28. Review status: criteria provided, single submitter. Criteria: Invitae Variant Classification Sherloc (09022015). Collection method: clinical testing. Allele origin: germline.

Laboratorio de Genetica e Diagnostico Molecular, Hospital Israelita Albert Einstein
Classification: Uncertain significance. Last evaluated: 2019-08-16. Review status: criteria provided, single submitter. Criteria: ACMG Guidelines, 2015. Collection method: clinical testing. Allele origin: germline. Affected: yes.
Comment: ACMG classification criteria: PM2, PP3